The following is an entry in ClinVar:

NM_016156.6(MTMR2):c.1386+5G>A

Gene: MTMR2 (myotubularin related protein 2; minus strand). Cytogenetic location: 11q21.
Variant type: single nucleotide variant.
Coding change: c.1386+5G>A on transcript NM_016156.6 (MANE Select); 5 bases into the intron after coding-DNA position 1386, G replaced by A.
Molecular consequence: intron variant.
Genome position (GRCh38, 1-based): chr11:95,844,948, C>T on the plus strand (G>A on the coding strand, the complement: MTMR2 is on the minus strand). VCF-style: chr11-95844948-C-T. GRCh37 (hg19) VCF-style: chr11-95578112-C-T.
Other names: c.1170+5G>A (NM_201281.3, NM_201278.3, NM_001243571.2).
Identifiers: ClinVar variation 3775727 (VCV003775727.1).

ClinVar aggregate classification (germline): Uncertain significance (1 of 4 stars; one submission).

Conditions:
Charcot-Marie-Tooth disease type 4B1. Also called: CHARCOT-MARIE-TOOTH DISEASE, AUTOSOMAL RECESSIVE, WITH FOCALLY FOLDED MYELIN SHEATHS, AUTOSOMAL RECESSIVE, TYPE 4B1; CHARCOT-MARIE-TOOTH DISEASE, TYPE 4B; Charcot-Marie-Tooth Neuropathy Type 4B1; CHARCOT-MARIE-TOOTH DISEASE, DEMYELINATING, TYPE 4B1. Identifiers: Orphanet 99955, MedGen C1832399, MONDO:0011066, OMIM 601382.

gnomAD v4.1: 2 of 1,585,622 alleles (0.00013%); highest among the groups gnomAD compares: South Asian, 0.0011%; no homozygotes.

Submission:

3billion
Classification: Uncertain significance for Charcot-Marie-Tooth disease type 4B1. Last evaluated: 2023-12-29. Review status: criteria provided, single submitter. Criteria: ACMG Guidelines, 2015. Collection method: clinical testing. Allele origin: germline. Affected: yes.
Comment: The variant is not observed in the gnomAD v2.1.1 dataset. Predicted Consequence/Location: Intron variant In silico tools predict the variant to alter splicing and produce an abnormal transcript [SpliceAI: 0.77 (>=0.2, moderate evidence for spliceogenicity)]. Therefore, this variant is classified as VUS according to the recommendation of ACMG/AMP guideline.